The following is an entry in ClinVar:

ClinVar aggregate classification (germline): Uncertain significance (1 of 4 stars; one submission).

Conditions:
Cerebral cavernous malformation (CCM). Also called: Cerebral cavernous malformations; CAVERNOUS ANGIOMA, FAMILIAL; CAVERNOUS ANGIOMATOUS MALFORMATIONS; CEREBRAL CAPILLARY MALFORMATIONS; Cerebral cavernous hemangioma (type); Cavernous Hemangioma of Brain. Identifiers: Orphanet 221061, MedGen C2919945, MONDO:0000820, OMIM 116860, HP:0033522.

Allele frequency attached by ClinVar (database versions not stated): gnomAD exomes below 0.00001; TOPMed below 0.00001; ExAC 0.00002.
gnomAD v4.1: 6 of 1,607,974 alleles (0.00037%); highest among the groups gnomAD compares: Non-Finnish European, 0.00034%; no homozygotes.

Submission:

Labcorp Genetics (formerly Invitae), Labcorp
Classification: Uncertain significance for Cerebral cavernous malformation. Last evaluated: 2022-12-07. Review status: criteria provided, single submitter. Criteria: Invitae Variant Classification Sherloc (09022015). Collection method: clinical testing. Allele origin: germline.
Comment: This sequence change replaces tyrosine, which is neutral and polar, with cysteine, which is neutral and slightly polar, at codon 544 of the KRIT1 protein (p.Tyr544Cys). This variant is present in population databases (rs761303156, gnomAD 0.003%). This variant has not been reported in the literature in individuals affected with KRIT1-related conditions. Advanced modeling of protein sequence and biophysical properties (such as structural, functional, and spatial information, amino acid conservation, physicochemical variation, residue mobility, and thermodynamic stability) performed at Invitae indicates that this missense variant is not expected to disrupt KRIT1 protein function. In summary, the available evidence is currently insufficient to determine the role of this variant in disease. Therefore, it has been classified as a Variant of Uncertain Significance.

NM_194454.3(KRIT1):c.1631A>G (p.Tyr544Cys)

Gene: KRIT1 (KRIT1 ankyrin repeat containing; minus strand). Cytogenetic location: 7q21.2.
Variant type: single nucleotide variant.
Coding change: c.1631A>G on transcript NM_194454.3 (MANE Select); coding-DNA position 1631, A replaced by G.
Protein change: p.Tyr544Cys; replaces tyrosine 544 with cysteine.
Molecular consequence: missense variant.
Genome position (GRCh38, 1-based): chr7:92,214,710, T>C on the plus strand (A>G on the coding strand, the complement: KRIT1 is on the minus strand). VCF-style: chr7-92214710-T-C. GRCh37 (hg19) VCF-style: chr7-91844024-T-C.
Other names: c.1487A>G, p.Tyr496Cys (NM_001013406.2, NM_001350669.1, NM_001350670.1); c.917A>G, p.Tyr306Cys (NM_001350671.1); c.1631A>G, p.Tyr544Cys (NM_001350672.1, NM_001350673.1, NM_001350674.1 and 26 more transcripts); short protein forms Y306C, Y496C, Y544C.
Identifiers: ClinVar variation 2912933 (VCV002912933.3), dbSNP rs761303156, ClinGen allele CA4339067.
Genomic context (GRCh38, chr7:92,214,710, plus strand): 5'-CCATAGACTATTTGCAAAAGCAGACTTGCCAATGTTATCAGCTTAGCATCAGGAGCTGTA[T>C]AAAAGCCCTTCAATAAATTATATCTGGCTTCATCAAAGAGAATAAGAATAGCTAGTGGGT-3'
Protein context (NP_919436.1, residues 534-554): EARYNLLKGF[Tyr544Cys]TAPDAKLITL